The following is an entry in ClinVar:

ClinVar aggregate classification (germline): Conflicting classifications of pathogenicity. Review status: criteria provided, conflicting classifications (1 of 4 stars). 5 submissions from 5 submitters: Uncertain significance (1); Benign (2); Likely benign (2). Last evaluated 2025-12-23.

Conditions:
Hyperkalemic periodic paralysis. Also called: Familial hyperkalemic periodic paralysis; Gamstorp disease. Identifiers: Orphanet 682, MedGen C0238357, MONDO:0008224, OMIM 170500, HP:0007215.

Allele frequency attached by ClinVar (database versions not stated): gnomAD exomes 0.00013 and 0.00014; ExAC 0.00019; ESP Exome Variant Server 0.00055; gnomAD 0.00060 and 0.00064; TOPMed 0.00079; 1000 Genomes Project 0.00080; 1000 Genomes Project 30x 0.00094.

Submissions (5):

Labcorp Genetics (formerly Invitae), Labcorp
Classification: Benign for Hyperkalemic periodic paralysis. Last evaluated: 2025-12-23. Review status: criteria provided, single submitter. Criteria: Invitae Variant Classification Sherloc (09022015). Collection method: clinical testing. Allele origin: germline.

Mayo Clinic Laboratories, Mayo Clinic
Classification: Likely benign. Last evaluated: 2025-02-04. Review status: criteria provided, single submitter. Criteria: ACMG Guidelines, 2015. Collection method: clinical testing. Allele origin: germline. Observed: 2 variant alleles.
Comment: BS1, BP4, BP7

Revvity Omics, Revvity
Classification: Benign. Last evaluated: 2023-10-09. Review status: criteria provided, single submitter. Criteria: ACMG Guidelines, 2015. Collection method: clinical testing. Allele origin: germline.

Blueprint Genetics
Classification: Likely benign. Last evaluated: 2022-11-28. Review status: criteria provided, single submitter. Criteria: ACMG Guidelines, 2015. Collection method: clinical testing. Allele origin: germline.

Eurofins Ntd Llc (ga)
Classification: Uncertain significance. Last evaluated: 2013-08-09. Review status: criteria provided, single submitter. Criteria: EGL Classification Definitions 2015. Collection method: clinical testing. Allele origin: germline. Observed: 1 variant allele, 1 heterozygote.

NM_000334.4(SCN4A):c.3774+8G>A

Genes: GH-LCR (growth hormone locus control region; plus strand), SCN4A (sodium voltage-gated channel alpha subunit 4; minus strand). Cytogenetic location: 17q23.3.
Variant type: single nucleotide variant.
Coding change: c.3774+8G>A on transcript NM_000334.4 (MANE Select); 8 bases into the intron after coding-DNA position 3774, G replaced by A.
Molecular consequence: intron variant.
Genome position (GRCh38, 1-based): chr17:63,944,999, C>T on the plus strand (G>A on the coding strand, the complement: SCN4A is on the minus strand). VCF-style: chr17-63944999-C-T. GRCh37 (hg19) VCF-style: chr17-62022359-C-T.
Other names: p.?.
Identifiers: ClinVar variation 92862 (VCV000092862.21), dbSNP rs374806849, ClinGen allele CA220678.